The following is an entry in ClinVar:

ClinVar aggregate classification (germline): Pathogenic/Likely pathogenic. Review status: criteria provided, multiple submitters, no conflicts (2 of 4 stars). 2 submissions from 2 submitters: Pathogenic (1); Likely pathogenic (1). Last evaluated 2023-10-23.

Conditions:
Carney-Stratakis syndrome. Also called: PARAGANGLIOMA AND GASTROINTESTINAL STROMAL TUMOR. Identifiers: Orphanet 97286, MedGen C1847319, MONDO:0011740, OMIM 606864.
Pheochromocytoma. Also called: MAX-Related Hereditary Paraganglioma-Pheochromocytoma Syndrome. Identifiers: Orphanet 29072, MedGen C0031511, MONDO:0008233, OMIM 171300, HP:0002666.
Paragangliomas with sensorineural hearing loss. Identifiers: MedGen C1868633.
Cowden syndrome 3 (CWS3). Identifiers: Orphanet 201, MedGen CN166604, MONDO:0014045.
Mitochondrial complex 2 deficiency, nuclear type 3. Also called: MITOCHONDRIAL COMPLEX II DEFICIENCY, NUCLEAR TYPE 3. Identifiers: MedGen C5436934, MONDO:0030937, OMIM 619167.

Submissions (2):

Labcorp Genetics (formerly Invitae), Labcorp
Classification: Pathogenic for Carney-Stratakis syndrome; Paragangliomas with sensorineural hearing loss; Pheochromocytoma; Cowden syndrome 3. Last evaluated: 2023-10-23. Review status: criteria provided, single submitter. Criteria: Invitae Variant Classification Sherloc (09022015). Collection method: clinical testing. Allele origin: germline.
Comment: This sequence change affects an acceptor splice site in intron 3 of the SDHD gene. While this variant is not anticipated to result in nonsense mediated decay, it likely alters RNA splicing and results in a disrupted protein product. This variant is not present in population databases (gnomAD no frequency). Disruption of this splice site has been observed in individuals with paraganglioma (PMID: 19454582; Invitae). ClinVar contains an entry for this variant (Variation ID: 2024310). Variants that disrupt the consensus splice site are a relatively common cause of aberrant splicing (PMID: 17576681, 9536098). Studies have shown that disruption of this splice site is associated with altered splicing resulting in multiple RNA products (Invitae). For these reasons, this variant has been classified as Pathogenic.

Baylor Genetics
Classification: Likely pathogenic for Mitochondrial complex 2 deficiency, nuclear type 3. Last evaluated: 2022-09-01. Review status: criteria provided, single submitter. Criteria: ACMG Guidelines, 2015. Collection method: clinical testing. Allele origin: unknown.

Literature cited by the submitters: PubMed 19454582 (cited by Labcorp Genetics (formerly Invitae), Labcorp); PubMed 17576681 (cited by Labcorp Genetics (formerly Invitae), Labcorp); PubMed 9536098 (cited by Labcorp Genetics (formerly Invitae), Labcorp).

NM_003002.4(SDHD):c.315-2A>T

Gene: SDHD (succinate dehydrogenase complex subunit D; plus strand). Cytogenetic location: 11q23.1.
Variant type: single nucleotide variant.
Coding change: c.315-2A>T on transcript NM_003002.4 (MANE Select); the canonical splice acceptor site of the intron before coding-DNA position 315, A replaced by T.
Molecular consequence: splice acceptor variant.
Genome position (GRCh38, 1-based): chr11:112,094,803, A>T. VCF-style: chr11-112094803-A-T. GRCh37 (hg19) VCF-style: chr11-111965527-A-T.
Other names: c.*13-2A>T (NM_001276506.2); c.170-2A>T (NM_001276503.2); c.198-2A>T (NM_001276504.2).
Identifiers: ClinVar variation 2024310 (VCV002024310.5), dbSNP rs2135277333, ClinGen allele CA382618706.